The following is an entry in ClinVar:

ClinVar aggregate classification (germline): Uncertain significance (1 of 4 stars; one submission).

Submission:

Labcorp Genetics (formerly Invitae), Labcorp
Classification: Uncertain significance. Last evaluated: 2025-06-29. Review status: criteria provided, single submitter. Criteria: Invitae Variant Classification Sherloc (09022015). Collection method: clinical testing. Allele origin: germline.
Comment: This sequence change affects codon 228 of the THBD mRNA. It is a 'silent' change, meaning that it does not change the encoded amino acid sequence of the THBD protein. The frequency data for this variant in the population databases is considered unreliable, as metrics indicate poor data quality at this position in the gnomAD database. This variant has not been reported in the literature in individuals affected with THBD-related conditions. In summary, the available evidence is currently insufficient to determine the role of this variant in disease. Therefore, it has been classified as a Variant of Uncertain Significance.

NM_000361.3(THBD):c.684C>T (p.Pro228=)

Gene: THBD (thrombomodulin; minus strand). Cytogenetic location: 20p11.21.
Variant type: single nucleotide variant.
Coding change: c.684C>T on transcript NM_000361.3 (MANE Select); coding-DNA position 684, C replaced by T.
Protein change: p.Pro228=; no amino-acid change (proline 228 retained).
Molecular consequence: synonymous variant.
Genome position (GRCh38, 1-based): chr20:23,048,821, G>A on the plus strand (C>T on the coding strand, the complement: THBD is on the minus strand). VCF-style: chr20-23048821-G-A. GRCh37 (hg19) VCF-style: chr20-23029458-G-A.
Identifiers: ClinVar variation 4769457 (VCV004769457.1).